The following is an entry in ClinVar:

ClinVar aggregate classification (germline): Uncertain significance. Review status: criteria provided, multiple submitters, no conflicts (2 of 4 stars). 2 submissions from 2 submitters: Uncertain significance (2). Last evaluated 2025-10-07.

Conditions:
Arrhythmogenic right ventricular dysplasia 10. Also called: Arrhythmogenic right ventricular dysplasia/cardiomyopathy, type 10; ARRHYTHMOGENIC RIGHT VENTRICULAR DYSPLASIA, FAMILIAL, 10; Arrhythmogenic Right Ventricular Dysplasia/Cardiomyopathy10. Identifiers: MedGen C1857777, MONDO:0012434, OMIM 610193.
Cardiovascular phenotype. Identifiers: MedGen CN230736.

gnomAD v4.1: 1 of 1,612,934 alleles (0.000062%); no homozygotes.

Submissions (2):

Ambry Genetics
Classification: Uncertain significance for Cardiovascular phenotype. Last evaluated: 2025-10-07. Review status: criteria provided, single submitter. Criteria: Ambry Variant Classification Scheme 2023. Collection method: clinical testing. Allele origin: germline.
Comment: The c.1878A>T variant (also known as p.L626L), located in coding exon 12 of the DSG2 gene, results from an A to T substitution at nucleotide position 1878. This nucleotide substitution does not change the amino acid at codon 626. This nucleotide position is poorly conserved in available vertebrate species. In silico splice site analysis for this alteration is inconclusive. Based on the available evidence, the clinical significance of this variant remains unclear.

Labcorp Genetics (formerly Invitae), Labcorp
Classification: Uncertain significance for Arrhythmogenic right ventricular dysplasia 10. Last evaluated: 2025-03-30. Review status: criteria provided, single submitter. Criteria: Invitae Variant Classification Sherloc (09022015). Collection method: clinical testing. Allele origin: germline.
Comment: This sequence change affects codon 626 of the DSG2 mRNA. It is a 'silent' change, meaning that it does not change the encoded amino acid sequence of the DSG2 protein. It affects a nucleotide within the consensus splice site. This variant is not present in population databases (gnomAD no frequency). This variant has not been reported in the literature in individuals affected with DSG2-related conditions. ClinVar contains an entry for this variant (Variation ID: 2112668). Algorithms developed to predict the effect of sequence changes on RNA splicing suggest that this variant is not likely to affect RNA splicing. In summary, the available evidence is currently insufficient to determine the role of this variant in disease. Therefore, it has been classified as a Variant of Uncertain Significance.

NM_001943.5(DSG2):c.1878A>T (p.Leu626=)

Gene: DSG2 (desmoglein 2; plus strand). Cytogenetic location: 18q12.1.
Variant type: single nucleotide variant.
Coding change: c.1878A>T on transcript NM_001943.5 (MANE Select); coding-DNA position 1878, A replaced by T.
Protein change: p.Leu626=; no amino-acid change (leucine 626 retained).
Molecular consequence: synonymous variant.
Genome position (GRCh38, 1-based): chr18:31,538,977, A>T. VCF-style: chr18-31538977-A-T. GRCh37 (hg19) VCF-style: chr18-29118940-A-T.
Identifiers: ClinVar variation 2112668 (VCV002112668.5), dbSNP rs771576658, ClinGen allele CA503596885.